The following is an entry in ClinVar:

ClinVar aggregate classification (germline): Likely benign (1 of 4 stars; one submission).

Allele frequency attached by ClinVar (database versions not stated): ExAC 0.00001; gnomAD exomes 0.00001; TOPMed 0.00001.
gnomAD v4.1: 6 of 1,608,276 alleles (0.00037%); highest among the groups gnomAD compares: Non-Finnish European, 0.00051%; no homozygotes.

Submission:

CeGaT Center for Human Genetics Tuebingen
Classification: Likely benign. Last evaluated: 2022-03-01. Review status: criteria provided, single submitter. Criteria: CeGaT Center For Human Genetics Tuebingen Variant Classification Criteria Version 2. Collection method: clinical testing. Allele origin: germline. Affected: yes. Observed: 1 variant allele.
Comment: APOBEC3H: BP4, BP7

NM_181773.5(APOBEC3H):c.414C>T (p.Phe138=)

Gene: APOBEC3H (apolipoprotein B mRNA editing enzyme catalytic subunit 3H; plus strand). Cytogenetic location: 22q13.1.
Variant type: single nucleotide variant.
Coding change: c.414C>T on transcript NM_181773.5 (MANE Select); coding-DNA position 414, C replaced by T.
Protein change: p.Phe138=; no amino-acid change (phenylalanine 138 retained).
Molecular consequence: synonymous variant.
Genome position (GRCh38, 1-based): chr22:39,101,500, C>T. VCF-style: chr22-39101500-C-T. GRCh37 (hg19) VCF-style: chr22-39497505-C-T.
Other names: c.414C>T, p.Phe138= (NM_001166002.3, NM_001166003.3, NM_001166004.3).
Identifiers: ClinVar variation 2653141 (VCV002653141.24), dbSNP rs775553421, ClinGen allele CA10239614.